The following is an entry in ClinVar:

NM_001365951.3(KIF1B):c.183+1G>A

Gene: KIF1B (kinesin family member 1B; plus strand). Cytogenetic location: 1p36.22.
Variant type: single nucleotide variant.
Coding change: c.183+1G>A on transcript NM_001365951.3 (MANE Select); the canonical splice donor site of the intron after coding-DNA position 183, G replaced by A.
Molecular consequence: splice donor variant.
Genome position (GRCh38, 1-based): chr1:10,256,324, G>A. VCF-style: chr1-10256324-G-A. GRCh37 (hg19) VCF-style: chr1-10316382-G-A.
Other names: c.183+1G>A (NM_183416.4, NM_015074.3, NM_001365952.1 and 1 more transcripts).
Identifiers: ClinVar variation 1780929 (VCV001780929.2), dbSNP rs7512451, ClinGen allele CA17831850.

ClinVar aggregate classification (germline): Uncertain significance (1 of 4 stars; one submission).

Submission:

Ambry Genetics
Classification: Uncertain significance. Last evaluated: 2020-10-30. Review status: criteria provided, single submitter. Criteria: Ambry Variant Classification Scheme 2023. Collection method: clinical testing. Allele origin: germline.
Comment: The c.183+1G>A intronic variant results from a G to A substitution one nucleotide after coding exon 2 of the KIF1B gene. Alterations that disrupt the canonical splice site are expected to cause aberrant splicing, resulting in an abnormal protein or a transcript that is subject to nonsense-mediated mRNA decay. However, loss of function of KIF1B has not been clearly established as a mechanism of disease. Since supporting evidence is limited at this time, the clinical significance of this alteration remains unclear.